The following is an entry in ClinVar:

ClinVar aggregate classification (germline): Likely pathogenic (1 of 4 stars; one submission).

Conditions:
Dilated cardiomyopathy 1G (CMD1G). Identifiers: Orphanet 154, MedGen C1858763, MONDO:0011400, OMIM 604145.
Autosomal recessive limb-girdle muscular dystrophy type 2J (LGMDR10). Also called: Limb-girdle muscular dystrophy, type 2J; MUSCULAR DYSTROPHY, LIMB-GIRDLE, AUTOSOMAL RECESSIVE 10. Identifiers: Orphanet 140922, MedGen C1837342, MONDO:0012127, OMIM 608807.

Submission:

Labcorp Genetics (formerly Invitae), Labcorp
Classification: Likely pathogenic for Dilated cardiomyopathy 1G; Autosomal recessive limb-girdle muscular dystrophy type 2J. Last evaluated: 2020-02-21. Review status: criteria provided, single submitter. Criteria: Invitae Variant Classification Sherloc (09022015). Collection method: clinical testing. Allele origin: germline.
Comment: This sequence change results in a premature translational stop signal in the TTN gene (p.Tyr25672Leufs*3). While this is not anticipated to result in nonsense mediated decay, it is expected to create a truncated TTN protein. This variant is not present in population databases (ExAC no frequency). This variant has not been reported in the literature in individuals with TTN-related conditions. This variant is located in the A band of TTN (PMID: 25589632). Truncating variants in this region are significantly overrepresented in patients affected with dilated cardiomyopathy (PMID: 25589632). Truncating variants in this region have also been reported in individuals affected with autosomal recessive centronuclear myopathy (PMID: 23975875). In summary, the currently available evidence indicates that the variant is pathogenic, but additional data are needed to prove that conclusively. Therefore, this variant has been classified as Likely Pathogenic.

Literature cited by the submitters: PubMed 25589632; PubMed 23975875.

NM_001267550.2(TTN):c.77014dup (p.Tyr25672fs)

Genes: TTN (titin; minus strand), TTN-AS1 (TTN antisense RNA 1; plus strand). Cytogenetic location: 2q31.2.
Variant type: Duplication.
Coding change: c.77014dup on transcript NM_001267550.2 (MANE Select); coding-DNA position 77014, one base duplicated (T; older notation c.77014dupT).
Protein change: p.Tyr25672fs; shifts the reading frame from tyrosine 25672.
Molecular consequence: frameshift variant.
Genome position (GRCh38, 1-based): chr2:178,569,118, A duplicated on the plus strand (T on the coding strand, the reverse complement: TTN is on the minus strand); the first of 2 consecutive A bases (chr2:178,569,118-178,569,119); duplicating either gives the same sequence. VCF-style (leftmost placement, unchanged base first): chr2-178569117-T-TA. GRCh37 (hg19) VCF-style: chr2-179433844-T-TA.
Other names: c.72091dup, p.Tyr24031fs (NM_001256850.1); c.49819dup, p.Tyr16607fs (NM_003319.4); c.69310dup, p.Tyr23104fs (NM_133378.4); c.50194dup, p.Tyr16732fs (NM_133432.3); c.50395dup, p.Tyr16799fs (NM_133437.4); short protein forms Y16607fs, Y16732fs, Y16799fs, Y23104fs, Y24031fs, Y25672fs.
Identifiers: ClinVar variation 1067436 (VCV001067436.11), dbSNP rs2154167532, ClinGen allele CA2499215357.